The following is an entry in ClinVar:

ClinVar aggregate classification (germline): Uncertain significance. Review status: criteria provided, multiple submitters, no conflicts (2 of 4 stars). 4 submissions from 4 submitters: Uncertain significance (4). Last evaluated 2026-01-14.

Conditions:
RYR1-related disorder. Also called: RYR1-related disorders; RYR1-related condition. Identifiers: MedGen CN239331.
Malignant hyperthermia, susceptibility to, 1 (MHS1). Also called: Malignant hyperthermia suceptibility 1; RYR1-Related Malignant Hyperthermia Susceptibility; Anesthesia related hyperthermia; Malignant hyperpyrexia; Fulminating hyperpyrexia; Pharmacogenic myopathy. Identifiers: Orphanet 423, MedGen C2930980, MONDO:0007783, OMIM 145600.

Submissions (4):

Women's Health and Genetics/Laboratory Corporation of America, LabCorp
Classification: Uncertain significance. Last evaluated: 2026-01-14. Review status: criteria provided, single submitter. Criteria: LabCorp Variant Classification Summary - May 2015. Collection method: clinical testing. Allele origin: germline.
Comment: Variant summary: RYR1 c.10626G>A (p.Leu3542Leu) alters a conserved nucleotide located close to a canonical splice site and therefore could affect mRNA splicing, leading to a significantly altered protein sequence. Several computational tools predict a significant impact on normal splicing: Two predict the variant abolishes a 5' splicing donor site. However, these predictions have yet to be confirmed by functional studies. The variant was absent in 250338 control chromosomes. The available data on variant occurrences in the general population are insufficient to allow any conclusion about variant significance. To our knowledge, no occurrence of c.10626G>A in individuals affected with RYR1-related conditions and no experimental evidence demonstrating its impact on protein function have been reported. ClinVar contains an entry for this variant (Variation ID: 577392). Based on the evidence outlined above, the variant was classified as uncertain significance.

Color Diagnostics, LLC DBA Color Health
Classification: Uncertain significance for Malignant hyperthermia, susceptibility to, 1. Last evaluated: 2025-08-25. Review status: criteria provided, single submitter. Criteria: ACMG Guidelines, 2015. Collection method: clinical testing. Allele origin: germline.
Comment: This variant is located in the RYR1 protein. To our knowledge, functional studies have not been reported for this variant. This variant has not been reported in individuals affected with RYR1-related disorders in the literature. This variant has not been identified in the general population by the Genome Aggregation Database (gnomAD). The available evidence is insufficient to determine the role of this variant in disease conclusively. Therefore, this variant is classified as a Variant of Uncertain Significance.

Labcorp Genetics (formerly Invitae), Labcorp
Classification: Uncertain significance for RYR1-related disorder. Last evaluated: 2024-08-21. Review status: criteria provided, single submitter. Criteria: Invitae Variant Classification Sherloc (09022015). Collection method: clinical testing. Allele origin: germline.
Comment: This sequence change affects codon 3542 of the RYR1 mRNA. It is a 'silent' change, meaning that it does not change the encoded amino acid sequence of the RYR1 protein. This variant also falls at the last nucleotide of exon 71, which is part of the consensus splice site for this exon. This variant is not present in population databases (gnomAD no frequency). This variant has not been reported in the literature in individuals affected with RYR1-related conditions. ClinVar contains an entry for this variant (Variation ID: 577392). Variants that disrupt the consensus splice site are a relatively common cause of aberrant splicing (PMID: 17576681, 9536098). Algorithms developed to predict the effect of sequence changes on RNA splicing suggest that this variant is not likely to affect RNA splicing. In summary, the available evidence is currently insufficient to determine the role of this variant in disease. Therefore, it has been classified as a Variant of Uncertain Significance.

Mayo Clinic Laboratories, Mayo Clinic
Classification: Uncertain significance. Last evaluated: 2020-08-05. Review status: criteria provided, single submitter. Criteria: ACMG Guidelines, 2015. Collection method: clinical testing. Allele origin: germline. Observed: 1 variant allele.

Literature cited by the submitters: PubMed 17576681 (cited by Labcorp Genetics (formerly Invitae), Labcorp); PubMed 9536098 (cited by Labcorp Genetics (formerly Invitae), Labcorp).

NM_000540.3(RYR1):c.10626G>A (p.Leu3542=)

Gene: RYR1 (ryanodine receptor 1; plus strand). Cytogenetic location: 19q13.2.
Variant type: single nucleotide variant.
Coding change: c.10626G>A on transcript NM_000540.3 (MANE Select); coding-DNA position 10626, G replaced by A.
Protein change: p.Leu3542=; no amino-acid change (leucine 3542 retained).
Molecular consequence: synonymous variant.
Genome position (GRCh38, 1-based): chr19:38,525,502, G>A. VCF-style: chr19-38525502-G-A. GRCh37 (hg19) VCF-style: chr19-39016142-G-A.
Other names: c.10611G>A, p.Leu3537= (NM_001042723.2).
Identifiers: ClinVar variation 577392 (VCV000577392.11), dbSNP rs1568538021, ClinGen allele CA507236610.